The following is an entry in ClinVar:

ClinVar aggregate classification (germline): Uncertain significance. Review status: criteria provided, multiple submitters, no conflicts (2 of 4 stars). 2 submissions from 2 submitters: Uncertain significance (2). Last evaluated 2025-11-26.

Conditions:
Inborn genetic diseases. Identifiers: MedGen C0950123, MeSH D030342.

Allele frequency attached by ClinVar (database versions not stated): TOPMed below 0.00001; ESP Exome Variant Server 0.00008; gnomAD exomes 0.00002.
gnomAD v4.1: 27 of 1,614,188 alleles (0.0017%); highest among the groups gnomAD compares: Non-Finnish European, 0.0021%; no homozygotes.

Submissions (2):

Ambry Genetics
Classification: Uncertain significance for Inborn genetic diseases. Last evaluated: 2025-11-26. Review status: criteria provided, single submitter. Criteria: Ambry Variant Classification Scheme 2023. Collection method: clinical testing. Allele origin: germline.

Labcorp Genetics (formerly Invitae), Labcorp
Classification: Uncertain significance for Combined immunodeficiency due to DOCK8 deficiency. Last evaluated: 2021-12-12. Review status: criteria provided, single submitter. Criteria: Invitae Variant Classification Sherloc (09022015). Collection method: clinical testing. Allele origin: germline.
Comment: In summary, the available evidence is currently insufficient to determine the role of this variant in disease. Therefore, it has been classified as a Variant of Uncertain Significance. Algorithms developed to predict the effect of missense changes on protein structure and function (SIFT, PolyPhen-2, Align-GVGD) all suggest that this variant is likely to be tolerated. This variant has not been reported in the literature in individuals affected with DOCK8-related conditions. This variant is not present in population databases (gnomAD no frequency). This sequence change replaces aspartic acid, which is acidic and polar, with histidine, which is basic and polar, at codon 836 of the DOCK8 protein (p.Asp836His).

NM_203447.4(DOCK8):c.2506G>C (p.Asp836His)

Gene: DOCK8 (dedicator of cytokinesis 8; plus strand). Cytogenetic location: 9p24.3.
Variant type: single nucleotide variant.
Coding change: c.2506G>C on transcript NM_203447.4 (MANE Select); coding-DNA position 2506, G replaced by C.
Protein change: p.Asp836His; replaces aspartic acid 836 with histidine.
Molecular consequence: missense variant.
Genome position (GRCh38, 1-based): chr9:379,836, G>C. VCF-style: chr9-379836-G-C. GRCh37 (hg19) VCF-style: chr9-379836-G-C.
Other names: c.2302G>C, p.Asp768His (NM_001190458.2, NM_001193536.2); short protein forms D768H, D836H.
Identifiers: ClinVar variation 1943728 (VCV001943728.5), dbSNP rs377055970, ClinGen allele CA187818081.
Genomic context (GRCh38, chr9:379,836, plus strand): 5'-TTCTCCCAGTTTGCCTTCGAGTCCGTGGTGGCCATCGCCAACAGTCTGCACAACAGCAAG[G>C]ACCTGAGCAAGGACCAGCATGGGAGGAACTGCCTGCTGGCTTCCTACGTGCACTACGTCT-3'
Protein context (NP_982272.2, residues 826-846): AIANSLHNSK[Asp836His]LSKDQHGRNC